The following is an entry in ClinVar:

NM_001040108.2(MLH3):c.2225G>T (p.Arg742Leu)

Gene: MLH3 (mutL homolog 3; minus strand). Cytogenetic location: 14q24.3.
Variant type: single nucleotide variant.
Coding change: c.2225G>T on transcript NM_001040108.2 (MANE Select); coding-DNA position 2225, G replaced by T.
Protein change: p.Arg742Leu; replaces arginine 742 with leucine.
Molecular consequence: missense variant.
Genome position (GRCh38, 1-based): chr14:75,047,431, C>A on the plus strand (G>T on the coding strand, the complement: MLH3 is on the minus strand). VCF-style: chr14-75047431-C-A. GRCh37 (hg19) VCF-style: chr14-75514134-C-A.
Other names: c.2225G>T, p.Arg742Leu (NM_014381.3); short protein forms R742L.
Identifiers: ClinVar variation 3232474 (VCV003232474.1), dbSNP rs375623365, ClinGen allele CA390441172.

ClinVar aggregate classification (germline): Uncertain significance (1 of 4 stars; one submission).

gnomAD v4.1: 1 of 1,614,080 alleles (0.000062%); highest among the groups gnomAD compares: Non-Finnish European, 0.000085%; no homozygotes.

Submission:

Ambry Genetics
Classification: Uncertain significance. Last evaluated: 2024-01-29. Review status: criteria provided, single submitter. Criteria: Ambry Variant Classification Scheme 2023. Collection method: clinical testing. Allele origin: germline.
Comment: The p.R742L variant (also known as c.2225G>T), located in coding exon 1 of the MLH3 gene, results from a G to T substitution at nucleotide position 2225. The arginine at codon 742 is replaced by leucine, an amino acid with dissimilar properties. This amino acid position is conserved. In addition, this alteration is predicted to be tolerated by in silico analysis. Based on the available evidence, the clinical significance of this alteration remains unclear.